The following is an entry in ClinVar:

ClinVar aggregate classification (germline): Uncertain significance. Review status: criteria provided, multiple submitters, no conflicts (2 of 4 stars). 2 submissions from 2 submitters: Uncertain significance (2). Last evaluated 2026-04-20.

Conditions:
GRHL2-related disorder. Also called: GRHL2-related condition; GRHL2-related disorders.

Allele frequency attached by ClinVar (database versions not stated): gnomAD exomes below 0.00001 and 0.00002; ExAC 0.00001; gnomAD 0.00001; TOPMed 0.00005.
gnomAD v4.1: 10 of 1,613,854 alleles (0.00062%); highest among the groups gnomAD compares: Admixed American, 0.0067%; no homozygotes.

Submissions (2):

PreventionGenetics, part of Exact Sciences
Classification: Uncertain significance for GRHL2-related condition. Last evaluated: 2026-04-20. Review status: criteria provided, single submitter. Criteria: ACMG Guidelines, 2015. Collection method: clinical testing. Allele origin: germline.
Comment: The GRHL2 c.77G>A variant is predicted to result in the amino acid substitution p.Arg26Gln. To our knowledge, this variant has not been reported in the literature. This variant is reported in 0.0058% of alleles in individuals of Latino descent in gnomAD. At this time, the clinical significance of this variant is uncertain due to the absence of conclusive functional and genetic evidence.

Labcorp Genetics (formerly Invitae), Labcorp
Classification: Uncertain significance. Last evaluated: 2022-09-27. Review status: criteria provided, single submitter. Criteria: Invitae Variant Classification Sherloc (09022015). Collection method: clinical testing. Allele origin: germline.
Comment: ClinVar contains an entry for this variant (Variation ID: 1420619). Algorithms developed to predict the effect of missense changes on protein structure and function are either unavailable or do not agree on the potential impact of this missense change (SIFT: "Tolerated"; PolyPhen-2: "Probably Damaging"; Align-GVGD: "Class C0"). This variant is present in population databases (rs750332552, gnomAD 0.006%). This sequence change replaces arginine, which is basic and polar, with glutamine, which is neutral and polar, at codon 26 of the GRHL2 protein (p.Arg26Gln). This variant has not been reported in the literature in individuals affected with GRHL2-related conditions. In summary, the available evidence is currently insufficient to determine the role of this variant in disease. Therefore, it has been classified as a Variant of Uncertain Significance.

NM_024915.4(GRHL2):c.77G>A (p.Arg26Gln)

Gene: GRHL2 (grainyhead like transcription factor 2; plus strand). Cytogenetic location: 8q22.3.
Variant type: single nucleotide variant.
Coding change: c.77G>A on transcript NM_024915.4 (MANE Select); coding-DNA position 77, G replaced by A.
Protein change: p.Arg26Gln; replaces arginine 26 with glutamine.
Molecular consequence: missense variant.
Genome position (GRCh38, 1-based): chr8:101,543,297, G>A. VCF-style: chr8-101543297-G-A. GRCh37 (hg19) VCF-style: chr8-102555525-G-A.
Other names: c.29G>A, p.Arg10Gln (NM_001330593.2); c.77G>A (NM_024915.3); short protein forms R10Q, R26Q.
Identifiers: ClinVar variation 1420619 (VCV001420619.7), dbSNP rs750332552, ClinGen allele CA4830212.